The following is an entry in ClinVar:

ClinVar aggregate classification (germline): Uncertain significance (1 of 4 stars; one submission).

Conditions:
SEMA3F-related disorder. Also called: SEMA3F-related condition.

Submission:

PreventionGenetics, part of Exact Sciences
Classification: Uncertain significance for SEMA3F-related condition. Last evaluated: 2024-11-07. Review status: criteria provided, single submitter. Criteria: ACMG Guidelines, 2015. Collection method: clinical testing. Allele origin: germline.
Comment: The SEMA3F c.607T>C variant is predicted to result in the amino acid substitution p.Tyr203His. To our knowledge, this variant has not been reported in the literature or in a large population database (gnomAD), indicating this variant is rare. At this time, the clinical significance of this variant is uncertain due to the absence of conclusive functional and genetic evidence.

NM_004186.5(SEMA3F):c.607T>C (p.Tyr203His)

Gene: SEMA3F (semaphorin 3F; plus strand). Cytogenetic location: 3p21.31.
Variant type: single nucleotide variant.
Coding change: c.607T>C on transcript NM_004186.5 (MANE Select); coding-DNA position 607, T replaced by C.
Protein change: p.Tyr203His; replaces tyrosine 203 with histidine.
Molecular consequence: missense variant.
Genome position (GRCh38, 1-based): chr3:50,176,825, T>C. VCF-style: chr3-50176825-T-C. GRCh37 (hg19) VCF-style: chr3-50214258-T-C.
Other names: c.310T>C, p.Tyr104His (NM_001318798.2); c.514T>C, p.Tyr172His (NM_001318800.2); short protein forms Y203H, Y104H, Y172H.
Identifiers: ClinVar variation 4983729 (VCV004983729.1).